The following is an entry in ClinVar:

ClinVar aggregate classification (germline): Uncertain significance (1 of 4 stars; one submission).

Allele frequency attached by ClinVar (database versions not stated): gnomAD exomes 0.00001.
gnomAD v4.1: 11 of 1,611,952 alleles (0.00068%); highest among the groups gnomAD compares: African/African-American, 0.0013%; no homozygotes.

Submission:

Labcorp Genetics (formerly Invitae), Labcorp
Classification: Uncertain significance. Last evaluated: 2024-05-31. Review status: criteria provided, single submitter. Criteria: Invitae Variant Classification Sherloc (09022015). Collection method: clinical testing. Allele origin: germline.
Comment: This sequence change replaces glycine, which is neutral and non-polar, with glutamic acid, which is acidic and polar, at codon 39 of the PPIB protein (p.Gly39Glu). This variant is not present in population databases (gnomAD no frequency). This variant has not been reported in the literature in individuals affected with PPIB-related conditions. ClinVar contains an entry for this variant (Variation ID: 1905755). An algorithm developed to predict the effect of missense changes on protein structure and function (PolyPhen-2) suggests that this variant is likely to be disruptive. In summary, the available evidence is currently insufficient to determine the role of this variant in disease. Therefore, it has been classified as a Variant of Uncertain Significance.

NM_000942.5(PPIB):c.116G>A (p.Gly39Glu)

Gene: PPIB (peptidylprolyl isomerase B; minus strand). Cytogenetic location: 15q22.31.
Variant type: single nucleotide variant.
Coding change: c.116G>A on transcript NM_000942.5 (MANE Select); coding-DNA position 116, G replaced by A.
Protein change: p.Gly39Glu; replaces glycine 39 with glutamic acid.
Molecular consequence: missense variant.
Genome position (GRCh38, 1-based): chr15:64,162,871, C>T on the plus strand (G>A on the coding strand, the complement: PPIB is on the minus strand). VCF-style: chr15-64162871-C-T. GRCh37 (hg19) VCF-style: chr15-64455070-C-T.
Other names: short protein forms G39E.
Identifiers: ClinVar variation 1905755 (VCV001905755.5), dbSNP rs2506124248, ClinGen allele CA392819787.